The following is an entry in ClinVar:

ClinVar aggregate classification (germline): Uncertain significance (1 of 4 stars; one submission).

Conditions:
Aicardi-Goutieres syndrome 7 (AGS7). Identifiers: Orphanet 51, MedGen C3888244, MONDO:0014367, OMIM 615846.
Singleton-Merten syndrome 1 (SGMRT1). Also called: Widened medullary cavities of bone, aortic calcification, abnormal dentition, and muscular weakness; Syndrome of widened medullary cavities of the metacarpals and phalanges, aortic calcification and abnormal dentition. Identifiers: Orphanet 85191, MedGen C4225427, MONDO:0024535, OMIM 182250.

gnomAD v4.1: 4 of 1,614,160 alleles (0.00025%); highest among the groups gnomAD compares: South Asian, 0.0011%; no homozygotes.

Submission:

Labcorp Genetics (formerly Invitae), Labcorp
Classification: Uncertain significance for Aicardi-Goutieres syndrome 7; Singleton-Merten syndrome 1. Last evaluated: 2022-02-10. Review status: criteria provided, single submitter. Criteria: Invitae Variant Classification Sherloc (09022015). Collection method: clinical testing. Allele origin: germline.
Comment: In summary, the available evidence is currently insufficient to determine the role of this variant in disease. Therefore, it has been classified as a Variant of Uncertain Significance. Algorithms developed to predict the effect of missense changes on protein structure and function (SIFT, PolyPhen-2, Align-GVGD) all suggest that this variant is likely to be tolerated. ClinVar contains an entry for this variant (Variation ID: 851462). This variant has not been reported in the literature in individuals affected with IFIH1-related conditions. This variant is present in population databases (no rsID available, gnomAD 0.002%). This sequence change replaces methionine, which is neutral and non-polar, with isoleucine, which is neutral and non-polar, at codon 95 of the IFIH1 protein (p.Met95Ile).

NM_022168.4(IFIH1):c.285G>A (p.Met95Ile)

Gene: IFIH1 (interferon induced with helicase C domain 1; minus strand). Cytogenetic location: 2q24.2.
Variant type: single nucleotide variant.
Coding change: c.285G>A on transcript NM_022168.4 (MANE Select); coding-DNA position 285, G replaced by A.
Protein change: p.Met95Ile; replaces methionine 95 with isoleucine.
Molecular consequence: missense variant.
Genome position (GRCh38, 1-based): chr2:162,318,023, C>T on the plus strand (G>A on the coding strand, the complement: IFIH1 is on the minus strand). VCF-style: chr2-162318023-C-T. GRCh37 (hg19) VCF-style: chr2-163174533-C-T.
Other names: short protein forms M95I.
Identifiers: ClinVar variation 851462 (VCV000851462.8), dbSNP rs748006043, ClinGen allele CA349013693.